The following is an entry in ClinVar:

NM_000536.4(RAG2):c.1046A>G (p.Lys349Arg)

Gene: RAG2 (recombination activating 2; minus strand). Cytogenetic location: 11p12.
Variant type: single nucleotide variant.
Coding change: c.1046A>G on transcript NM_000536.4 (MANE Select); coding-DNA position 1046, A replaced by G.
Protein change: p.Lys349Arg; replaces lysine 349 with arginine.
Molecular consequence: missense variant.
Genome position (GRCh38, 1-based): chr11:36,593,123, T>C on the plus strand (A>G on the coding strand, the complement: RAG2 is on the minus strand). VCF-style: chr11-36593123-T-C. GRCh37 (hg19) VCF-style: chr11-36614673-T-C.
Other names: c.1046A>G, p.Lys349Arg (NM_001243785.2, NM_001243786.2); short protein forms K349R.
Identifiers: ClinVar variation 1929317 (VCV001929317.5), dbSNP rs2494790858, ClinGen allele CA380141251.
Genomic context (GRCh38, chr11:36,593,123, plus strand): 5'-GTTGATGTTTGACTGTTTGTGAATGTTGTCTGCTCTTCATTAGTATCATCTTCAGCACAT[T>C]TCAACATATAGAAATAGAATCCTTCTGAAACAACTTGTTTATTGTCTCCTGGTATGCCAA-3'
Protein context (NP_000527.2, residues 339-359): VSEGFYFYML[Lys349Arg]CAEDDTNEEQ

ClinVar aggregate classification (germline): Uncertain significance (1 of 4 stars; one submission).

Conditions:
Severe combined immunodeficiency, autosomal recessive, T cell-negative, B cell-negative, NK cell-positive. Also called: Severe combined immunodeficiency due to complete RAG1/2 deficiency; SCID, T CELL-NEGATIVE, B CELL-NEGATIVE, NK CELL-POSITIVE; SCID, AR, T-cell negative, B-cell negative, NK cell-positive. Identifiers: Orphanet 331206, MedGen C1832322, MONDO:0011086, OMIM 601457.
Combined immunodeficiency with skin granulomas. Identifiers: Orphanet 157949, MedGen C2673536, MONDO:0009306, OMIM 233650.

Submission:

Labcorp Genetics (formerly Invitae), Labcorp
Classification: Uncertain significance for Combined immunodeficiency with skin granulomas; Severe combined immunodeficiency, autosomal recessive, T cell-negative, B cell-negative, NK cell-positive. Last evaluated: 2022-03-11. Review status: criteria provided, single submitter. Criteria: Invitae Variant Classification Sherloc (09022015). Collection method: clinical testing. Allele origin: germline.
Comment: In summary, the available evidence is currently insufficient to determine the role of this variant in disease. Therefore, it has been classified as a Variant of Uncertain Significance. Advanced modeling of protein sequence and biophysical properties (such as structural, functional, and spatial information, amino acid conservation, physicochemical variation, residue mobility, and thermodynamic stability) performed at Invitae indicates that this missense variant is not expected to disrupt RAG2 protein function. This variant has not been reported in the literature in individuals affected with RAG2-related conditions. This variant is not present in population databases (gnomAD no frequency). This sequence change replaces lysine, which is basic and polar, with arginine, which is basic and polar, at codon 349 of the RAG2 protein (p.Lys349Arg).